The following is an entry in ClinVar:

NM_031935.3(HMCN1):c.13868G>A (p.Arg4623Gln)

Gene: HMCN1 (hemicentin 1; plus strand). Cytogenetic location: 1q31.1.
Variant type: single nucleotide variant.
Coding change: c.13868G>A on transcript NM_031935.3 (MANE Select); coding-DNA position 13868, G replaced by A.
Protein change: p.Arg4623Gln; replaces arginine 4623 with glutamine.
Molecular consequence: missense variant.
Genome position (GRCh38, 1-based): chr1:186,137,916, G>A. VCF-style: chr1-186137916-G-A. GRCh37 (hg19) VCF-style: chr1-186107048-G-A.
Other names: short protein forms R4623Q.
Identifiers: ClinVar variation 294268 (VCV000294268.11), dbSNP rs145398864, ClinGen allele CA1294780.

ClinVar aggregate classification (germline): Uncertain significance. Review status: criteria provided, multiple submitters, no conflicts (2 of 4 stars). 3 submissions from 3 submitters: Uncertain significance (3). Last evaluated 2026-02-01.

Conditions:
Age related macular degeneration 1 (ARMD1). Also called: MACULOPATHY, AGE-RELATED, 1. Identifiers: MedGen C1864205, MONDO:0011285, OMIM 603075.

Allele frequency attached by ClinVar (database versions not stated): 1000 Genomes Project 0.00020; ExAC 0.00021; gnomAD exomes 0.00028; 1000 Genomes Project 30x 0.00031; ESP Exome Variant Server 0.00038; gnomAD 0.00044 and 0.00046; TOPMed 0.00048.
gnomAD v4.1: 1,033 of 1,614,040 alleles (0.064%); highest among the groups gnomAD compares: Non-Finnish European, 0.084%; 2 homozygotes.

Submissions (3):

Labcorp Genetics (formerly Invitae), Labcorp
Classification: Uncertain significance. Last evaluated: 2026-02-01. Review status: criteria provided, single submitter. Criteria: Invitae Variant Classification Sherloc (09022015). Collection method: clinical testing. Allele origin: germline.
Comment: This sequence change replaces arginine, which is basic and polar, with glutamine, which is neutral and polar, at codon 4623 of the HMCN1 protein (p.Arg4623Gln). This variant is present in population databases (rs145398864, gnomAD 0.06%), and has an allele count higher than expected for a pathogenic variant. This variant has not been reported in the literature in individuals affected with HMCN1-related conditions. ClinVar contains an entry for this variant (Variation ID: 294268). An algorithm developed to predict the effect of missense changes on protein structure and function outputs the following: PolyPhen-2: "Benign". The glutamine amino acid residue is found in multiple mammalian species, which suggests that this missense change does not adversely affect protein function. In summary, the available evidence is currently insufficient to determine the role of this variant in disease. Therefore, it has been classified as a Variant of Uncertain Significance.

Genome-Nilou Lab
Classification: Uncertain significance for Age related macular degeneration 1. Last evaluated: 2023-04-11. Review status: criteria provided, single submitter. Criteria: ACMG Guidelines, 2015. Collection method: clinical testing. Allele origin: germline. Affected: no.

Illumina Laboratory Services, Illumina
Classification: Uncertain significance for Age related macular degeneration 1. Last evaluated: 2018-01-12. Review status: criteria provided, single submitter. Criteria: ICSL Variant Classification Criteria 13 December 2019. Collection method: clinical testing. Allele origin: germline.